The following is an entry in ClinVar:

NM_001267550.2(TTN):c.28359C>T (p.His9453=)

Gene: TTN (titin; minus strand). Cytogenetic location: 2q31.2.
Variant type: single nucleotide variant.
Coding change: c.28359C>T on transcript NM_001267550.2 (MANE Select); coding-DNA position 28359, C replaced by T.
Protein change: p.His9453=; no amino-acid change (histidine 9453 retained).
Molecular consequence: synonymous variant. On other transcripts: intron variant (3).
Genome position (GRCh38, 1-based): chr2:178,710,738, G>A on the plus strand (C>T on the coding strand, the complement: TTN is on the minus strand). VCF-style: chr2-178710738-G-A. GRCh37 (hg19) VCF-style: chr2-179575465-G-A.
Other names: c.27408C>T, p.His9136= (NM_001256850.1); c.24627C>T, p.His8209= (NM_133378.4); c.13282+27344C>T (NM_003319.4); c.13858+27344C>T (NM_133437.4); c.13657+27344C>T (NM_133432.3).
Identifiers: ClinVar variation 698197 (VCV000698197.19), dbSNP rs372238447, ClinGen allele CA1999608.

ClinVar aggregate classification (germline): Benign/Likely benign. Review status: criteria provided, multiple submitters, no conflicts (2 of 4 stars). 9 submissions from 6 submitters: Benign (4); Likely benign (4). 1 of the submissions does not count toward it. Last evaluated 2026-02-07.

Conditions:
Dilated cardiomyopathy 1G (CMD1G). Identifiers: Orphanet 154, MedGen C1858763, MONDO:0011400, OMIM 604145.
Autosomal recessive limb-girdle muscular dystrophy type 2J (LGMDR10). Also called: Limb-girdle muscular dystrophy, type 2J; MUSCULAR DYSTROPHY, LIMB-GIRDLE, AUTOSOMAL RECESSIVE 10. Identifiers: Orphanet 140922, MedGen C1837342, MONDO:0012127, OMIM 608807.
TTN-related disorder. Also called: TTN-related disorders; TTN-related condition; TTN-related disease.
Myopathy, myofibrillar, 9, with early respiratory failure (MFM9). Also called: Hereditary myopathy with early respiratory failure; Myopathy, distal, with early respiratory failure, autosomal dominant; EDSTROM MYOPATHY; MYOPATHY, PROXIMAL, WITH EARLY RESPIRATORY MUSCLE INVOLVEMENT. Identifiers: Orphanet 178464, Orphanet 34521, MedGen C1863599, MONDO:0011362, OMIM 603689.
Early-onset myopathy with fatal cardiomyopathy (CMYO5). Also called: Salih Myopathy; CONGENITAL MYOPATHY 5 WITH CARDIOMYOPATHY. Identifiers: Orphanet 289377, MedGen C2673677, MONDO:0012714, OMIM 611705. Disease mechanism: loss of function.
Tibial muscular dystrophy (TMD). Also called: Tibial muscular dystrophy, tardive; UDD MYOPATHY; Udd Distal Myopathy – Tibial Muscular Dystrophy. Identifiers: Orphanet 609, MedGen C1838244, MONDO:0010870, OMIM 600334.

Allele frequency attached by ClinVar (database versions not stated): gnomAD exomes 0.00003; ExAC 0.00004; gnomAD 0.00007; ESP Exome Variant Server 0.00008; TOPMed 0.00009; 1000 Genomes Project 0.00040; 1000 Genomes Project 30x 0.00062.
gnomAD v4.1: 20 of 1,613,836 alleles (0.0012%); highest among the groups gnomAD compares: Admixed American, 0.013%; no homozygotes.

Submissions (9):

Women's Health and Genetics/Laboratory Corporation of America, LabCorp
Classification: Likely benign. Last evaluated: 2026-02-07. Review status: criteria provided, single submitter. Criteria: LabCorp Variant Classification Summary - May 2015. Collection method: clinical testing. Allele origin: germline.

Labcorp Genetics (formerly Invitae), Labcorp
Classification: Likely benign for Dilated cardiomyopathy 1G; Autosomal recessive limb-girdle muscular dystrophy type 2J. Last evaluated: 2025-07-14. Review status: criteria provided, single submitter. Criteria: Invitae Variant Classification Sherloc (09022015). Collection method: clinical testing. Allele origin: germline.

Athena Diagnostics
Classification: Likely benign. Last evaluated: 2024-07-30. Review status: criteria provided, single submitter. Criteria: Athena Diagnostics Criteria. Collection method: clinical testing. Allele origin: unknown.

Blueprint Genetics
Classification: Likely benign. Last evaluated: 2022-02-16. Review status: criteria provided, single submitter. Criteria: ACMG Guidelines, 2015. Collection method: clinical testing. Allele origin: germline.

Genome-Nilou Lab
Classification: Benign for Autosomal recessive limb-girdle muscular dystrophy type 2J. Last evaluated: 2021-09-10. Review status: criteria provided, single submitter. Criteria: ACMG Guidelines, 2015. Collection method: clinical testing. Allele origin: germline. Affected: no.

Genome-Nilou Lab
Classification: Benign for Myopathy, myofibrillar, 9, with early respiratory failure. Last evaluated: 2021-09-10. Review status: criteria provided, single submitter. Criteria: ACMG Guidelines, 2015. Collection method: clinical testing. Allele origin: germline. Affected: no.

Genome-Nilou Lab
Classification: Benign for Early-onset myopathy with fatal cardiomyopathy. Last evaluated: 2021-09-10. Review status: criteria provided, single submitter. Criteria: ACMG Guidelines, 2015. Collection method: clinical testing. Allele origin: germline. Affected: no.

Genome-Nilou Lab
Classification: Benign for Tibial muscular dystrophy. Last evaluated: 2021-09-10. Review status: criteria provided, single submitter. Criteria: ACMG Guidelines, 2015. Collection method: clinical testing. Allele origin: germline. Affected: no.

PreventionGenetics, part of Exact Sciences
Classification: Likely benign for TTN-related condition. Last evaluated: 2021-05-04. Review status: no assertion criteria provided. Collection method: clinical testing. Allele origin: germline. Not counted in ClinVar's aggregate classification.
Comment: This variant is classified as likely benign based on ACMG/AMP sequence variant interpretation guidelines (Richards et al. 2015 PMID: 25741868, with internal and published modifications).